The following is an entry in ClinVar:

ClinVar aggregate classification (germline): Uncertain significance (1 of 4 stars; one submission).

Submission:

GeneDx
Classification: Uncertain significance. Last evaluated: 2024-12-02. Review status: criteria provided, single submitter. Criteria: GeneDx Variant Classification Process June 2021. Collection method: clinical testing. Allele origin: germline. Affected: yes.
Comment: Not observed at significant frequency in large population cohorts (gnomAD); In silico analysis indicates that this missense variant does not alter protein structure/function; Has not been previously published as pathogenic or benign to our knowledge

NM_194248.3(OTOF):c.2810A>C (p.Lys937Thr)

Gene: OTOF (otoferlin; minus strand). Cytogenetic location: 2p23.3.
Variant type: single nucleotide variant.
Coding change: c.2810A>C on transcript NM_194248.3 (MANE Select); coding-DNA position 2810, A replaced by C.
Protein change: p.Lys937Thr; replaces lysine 937 with threonine.
Molecular consequence: missense variant.
Genome position (GRCh38, 1-based): chr2:26,476,184, T>G on the plus strand (A>C on the coding strand, the complement: OTOF is on the minus strand). VCF-style: chr2-26476184-T-G. GRCh37 (hg19) VCF-style: chr2-26699052-T-G.
Other names: c.2810A>C, p.Lys937Thr (NM_001287489.2); c.569A>C, p.Lys190Thr (NM_004802.4, NM_194323.3); c.740A>C, p.Lys247Thr (NM_194322.3); short protein forms K190T, K247T, K937T.
Identifiers: ClinVar variation 3900907 (VCV003900907.1).